The following is an entry in ClinVar:

NM_014516.4(CNOT3):c.1224CAG[2] (p.Ser412del)

Gene: CNOT3 (CCR4-NOT transcription complex subunit 3; plus strand). Cytogenetic location: 19q13.42.
Variant type: Microsatellite.
Coding change: c.1224CAG[2] on transcript NM_014516.4 (MANE Select); two copies in a row of the 3-base unit CAG starting at c.1224; the reference has three copies in a row; one copy, 3 bases deleted.
Protein change: p.Ser412del; deletes serine 412.
Molecular consequence: inframe deletion.
Genome position (GRCh38, 1-based): chr19:54,148,483-54,148,485, CAG deleted; deleting any 3 consecutive bases within chr19:54,148,475-54,148,485 gives the same sequence; the position shown is the placement nearest the transcript's 3' end. VCF-style (leftmost placement, unchanged base first): chr19-54148474-GAGC-G. GRCh37 (hg19) VCF-style: chr19-54652209-GAGC-G.
Other names: short protein forms S412del.
Identifiers: ClinVar variation 2571055 (VCV002571055.27), dbSNP rs1456346597, ClinGen allele CA883517628.

ClinVar aggregate classification (germline): Uncertain significance (1 of 4 stars; one submission).

Submission:

CeGaT Center for Human Genetics Tuebingen
Classification: Uncertain significance. Last evaluated: 2023-04-01. Review status: criteria provided, single submitter. Criteria: CeGaT Center For Human Genetics Tuebingen Variant Classification Criteria Version 2. Collection method: clinical testing. Allele origin: germline. Affected: yes. Observed: 1 variant allele.
Comment: CNOT3: PM2, BP5